The following is an entry in ClinVar:

ClinVar aggregate classification (germline): Uncertain significance (1 of 4 stars; one submission).

Conditions:
Loeys-Dietz syndrome (LDS). Identifiers: Orphanet 60030, MedGen C2697932, MONDO:0018954.

Submission:

All of Us Research Program, National Institutes of Health
Classification: Uncertain significance for Loeys-Dietz syndrome. Last evaluated: 2023-07-10. Review status: criteria provided, single submitter. Criteria: ACMG Guidelines, 2015. Collection method: clinical testing. Allele origin: germline. Inheritance: Autosomal dominant inheritance. Observed: 1 variant allele, 1 heterozygote.
Comment: This variant causes deletion of 1 nucleotide in intron 7 of the TGFBR1 gene. To our knowledge, functional studies have not been reported for this variant. This variant has not been reported in individuals affected with TGFBR1-related disorders in the literature. This variant has not been identified in the general population by the Genome Aggregation Database (gnomAD). The available evidence is insufficient to determine the role of this variant in disease conclusively. Therefore, this variant is classified as a Variant of Uncertain Significance.

This study involves interpretation of variants in research participants for the purpose of population health screening. Participant phenotype was not available at the time of variant classification. Additional details can be found in publication PMID: 35346344, PMCID: PMC8962531

NM_004612.4(TGFBR1):c.1255+7del

Gene: TGFBR1 (transforming growth factor beta receptor 1; plus strand). Cytogenetic location: 9q22.33.
Variant type: Deletion.
Coding change: c.1255+7del on transcript NM_004612.4 (MANE Select); 7 bases into the intron after coding-DNA position 1255, one base deleted (T; older notation c.1255+7delT).
Molecular consequence: intron variant.
Genome position (GRCh38, 1-based): chr9:99,146,616, T deleted; the last of 2 consecutive T bases (chr9:99,146,615-99,146,616); deleting either gives the same sequence. VCF-style (leftmost placement, unchanged base first): chr9-99146614-AT-A. GRCh37 (hg19) VCF-style: chr9-101908896-AT-A.
Other names: c.1060+7del (NM_001407418.1, NM_001407419.1, NM_001407422.1 and 1 more transcripts); c.1048+7del (NM_001407423.1, NM_001407424.1, NM_001407425.1 and 8 more transcripts); c.1267+7del (NM_001306210.2); c.1099+7del (NM_001407416.1); c.1087+7del (NM_001407417.1); c.1024+7del (NM_001407435.1, NM_001130916.3); c.1009+7del (NM_001407436.1); c.778+7del (NM_001407438.1); and 1 more.
Identifiers: ClinVar variation 3072379 (VCV003072379.1), dbSNP rs2490251921, ClinGen allele CA2825001660.
Genomic context (GRCh38, chr9:99,146,614, plus strand): 5'-CATCTATGCAATGGGCTTAGTATTCTGGGAAATTGCTCGACGATGTTCCATTGGTGGTAA[AT>A]TGCTCTCCTCTCCCCCAGTAGTTTGTCATGAGCAGAAGTTGTTCAAGAATTGTCTTCTTT-3'